The following is an entry in ClinVar:

ClinVar aggregate classification (germline): Likely pathogenic. Review status: reviewed by expert panel (3 of 4 stars). 6 submissions from 6 submitters: Likely pathogenic (1). 5 of the submissions do not count toward it. Last evaluated 2024-09-09.

Conditions:
Alpha-actinopathy. Also called: Actinopathy. Identifiers: MedGen CN295279, MONDO:0100084.
Actin accumulation myopathy (CMYO2A). Also called: CONGENITAL MYOPATHY 2A, TYPICAL, AUTOSOMAL DOMINANT; Myopathy, actin, congenital, with cores; Nemaline myopathy 3, with intranuclear rods; Nemaline myopathy type 3; Myopathy, actin, congenital, with excess of thin myofilaments. Identifiers: Orphanet 98904, MedGen C3711389, MONDO:0008070, OMIM 161800.

Submissions (6):

ClinGen Congenital Myopathies Variant Curation Expert Panel, ClinGen
Classification: Likely pathogenic for Alpha-actinopathy. Last evaluated: 2024-09-09. Review status: reviewed by expert panel. Criteria: ClinGen CongenMyopathy ACMG Specifications ACTA1_AD_ V2.0.0. Collection method: curation. Allele origin: germline. Inheritance: Autosomal dominant inheritance.
Comment: The c.1001C>T (NM_001100.4(ACTA1):c.1001C>T (p.Pro334Leu)) variant in ACTA1 is a missense variant predicted to cause substitution of proline by leucine at amino acid 334 (p.Pro334Leu). This variant is absent from gnomAD v4.1.0 (PM2_Supporting). The computational predictor REVEL gives a score of 0.814, which is above the threshold of 0.7, evidence that correlates with impact to ACTA1 function (PP3). ACTA1, in which the variant was identified, is defined by the ClinGen Congenital Myopathies VCEP as a gene that has a low rate of benign missense variation and where pathogenic missense variants are a common mechanism of disease (PP2). Another missense variant p.Pro334Arg (c.1001C>G) [ClinVar Variation ID: 1031829] in the same codon has been classified as likely pathogenic for autosomal dominant alpha-actinopathy by the ClinGen Congenital Myopathies VCEP (PM5_supporting). This variant has been identified in 4 probands with autosomal dominant alpha-actinopathy. At least one patient with this variant displayed rods on a muscle biopsy, which is highly specific for alpha-actinopathy (PS4_moderate, PP4_moderate; Invitae, Paris-East Créteil University internal data, Alan Beggs personal communication, LOVD). Of note, all probands displayed later than typical onset of symptoms with onset ranging from late teens to the 5th or 6th decade of life. In summary, this variant meets the criteria to be classified as likely pathogenic for autosomal dominant alpha-actinopathy based on the ACMG/AMP criteria applied, as specified by the ClinGen Congenital Myopathies VCEP: PM2_supporting, PP3, PP2, PM5_supporting, PS4_moderate, PP4_moderate (ClinGen Congenital Myopathies VCEP Specifications Version 2.0; 9/9/2024).

MGZ Medical Genetics Center
Classification: Likely pathogenic for Actin accumulation myopathy. Last evaluated: 2022-08-02. Review status: criteria provided, single submitter. Criteria: ACMG Guidelines, 2015. Collection method: clinical testing. Allele origin: germline. Affected: yes. Observed: 1 variant allele. Not counted in ClinVar's aggregate classification.
Comment: ACMG criteria applied: PM5, PM1_SUP, PM2_SUP, PP2, PP3

Labcorp Genetics (formerly Invitae), Labcorp
Classification: Likely pathogenic for Actin accumulation myopathy. Last evaluated: 2022-05-27. Review status: criteria provided, single submitter. Criteria: Invitae Variant Classification Sherloc (09022015). Collection method: clinical testing. Allele origin: germline. Not counted in ClinVar's aggregate classification.
Comment: This variant disrupts the p.Pro334 amino acid residue in ACTA1. Other variant(s) that disrupt this residue have been determined to be pathogenic (PMID: 32154989; Invitae). This suggests that this residue is clinically significant, and that variants that disrupt this residue are likely to be disease-causing. Advanced modeling of protein sequence and biophysical properties (such as structural, functional, and spatial information, amino acid conservation, physicochemical variation, residue mobility, and thermodynamic stability) performed at Invitae indicates that this missense variant is expected to disrupt ACTA1 protein function. ClinVar contains an entry for this variant (Variation ID: 532770). This variant has not been reported in the literature in individuals affected with ACTA1-related conditions. This variant is not present in population databases (gnomAD no frequency). This sequence change replaces proline, which is neutral and non-polar, with leucine, which is neutral and non-polar, at codon 334 of the ACTA1 protein (p.Pro334Leu). In summary, the currently available evidence indicates that the variant is pathogenic, but additional data are needed to prove that conclusively. Therefore, this variant has been classified as Likely Pathogenic.

CeGaT Center for Human Genetics Tuebingen
Classification: Likely pathogenic. Last evaluated: 2021-06-01. Review status: criteria provided, single submitter. Criteria: CeGaT Center For Human Genetics Tuebingen Variant Classification Criteria Version 2. Collection method: clinical testing. Allele origin: germline. Affected: yes. Observed: 1 variant allele. Not counted in ClinVar's aggregate classification.

Blueprint Genetics
Classification: Uncertain significance. Last evaluated: 2020-03-24. Review status: criteria provided, single submitter. Criteria: ACMG Guidelines, 2015. Collection method: clinical testing. Allele origin: germline. Not counted in ClinVar's aggregate classification.

Revvity Omics, Revvity
Classification: Uncertain significance. Last evaluated: 2019-06-17. Review status: criteria provided, single submitter. Criteria: ACMG Guidelines, 2015. Collection method: clinical testing. Allele origin: germline. Not counted in ClinVar's aggregate classification.

Literature cited by the submitters: PubMed 32154989 (cited by Labcorp Genetics (formerly Invitae), Labcorp).

NM_001100.4(ACTA1):c.1001C>T (p.Pro334Leu)

Gene: ACTA1 (actin alpha 1, skeletal muscle; minus strand). Cytogenetic location: 1q42.13.
Variant type: single nucleotide variant.
Coding change: c.1001C>T on transcript NM_001100.4 (MANE Select); coding-DNA position 1001, C replaced by T.
Protein change: p.Pro334Leu; replaces proline 334 with leucine.
Molecular consequence: missense variant.
Genome position (GRCh38, 1-based): chr1:229,431,632, G>A on the plus strand (C>T on the coding strand, the complement: ACTA1 is on the minus strand). VCF-style: chr1-229431632-G-A. GRCh37 (hg19) VCF-style: chr1-229567379-G-A.
Other names: NM_001100.4(ACTA1):c.1001C>T; p.Pro334Leu; short protein forms P334L.
Identifiers: ClinVar variation 532770 (VCV000532770.46), dbSNP rs1553255312, ClinGen allele CA345144967.